The following is an entry in ClinVar:

NM_020987.5(ANK3):c.11033C>T (p.Pro3678Leu)

Gene: ANK3 (ankyrin 3; minus strand). Cytogenetic location: 10q21.2.
Variant type: single nucleotide variant.
Coding change: c.11033C>T on transcript NM_020987.5 (MANE Select); coding-DNA position 11033, C replaced by T.
Protein change: p.Pro3678Leu; replaces proline 3678 with leucine.
Molecular consequence: missense variant. On other transcripts: intron variant (4).
Genome position (GRCh38, 1-based): chr10:60,069,848, G>A on the plus strand (C>T on the coding strand, the complement: ANK3 is on the minus strand). VCF-style: chr10-60069848-G-A. GRCh37 (hg19) VCF-style: chr10-61829606-G-A.
Other names: c.4388-1839C>T (NM_001204403.2); c.4409-1839C>T (NM_001204404.2); c.4406-1839C>T (NM_001320874.2); c.1808-1839C>T (NM_001149.4); short protein forms P3678L.
Identifiers: ClinVar variation 3036199 (VCV003036199.2), dbSNP rs2082373303, ClinGen allele CA376997843.
Genomic context (GRCh38, chr10:60,069,848, plus strand): 5'-CTGGATGTGCCTTCCTGACACTCTCCGCTGGTCGGGATGCTGGGGTTAGGTTCCACTGTA[G>A]GTGTCTCTACATTTCTCTCTAGATTGGTTTCTACAGTGGTGTCCCCTGACTGTGGCTGTG-3'
Protein context (NP_066267.2, residues 3668-3688): ETNLERNVET[Pro3678Leu]TVEPNPSIPT

ClinVar aggregate classification (germline): Uncertain significance (0 of 4 stars; one submission).

Conditions:
ANK3-related disorder. Also called: ANK3-related condition.

Allele frequency attached by ClinVar (database versions not stated): TOPMed below 0.00001; gnomAD 0.00001.
gnomAD v4.1: 1 of 1,613,904 alleles (0.000062%); highest among the groups gnomAD compares: African/African-American, 0.0013%; no homozygotes.

Submission:

PreventionGenetics, part of Exact Sciences
Classification: Uncertain significance for ANK3-related condition. Last evaluated: 2024-01-25. Review status: no assertion criteria provided. Collection method: clinical testing. Allele origin: germline.
Comment: The ANK3 c.11033C>T variant is predicted to result in the amino acid substitution p.Pro3678Leu. To our knowledge, this variant has not been reported in the literature or in a large population database, indicating this variant is rare. At this time, the clinical significance of this variant is uncertain due to the absence of conclusive functional and genetic evidence.